The following is an entry in ClinVar:

ClinVar aggregate classification (germline): Conflicting classifications of pathogenicity. Review status: criteria provided, conflicting classifications (1 of 4 stars). 2 submissions from 2 submitters: Uncertain significance (1); Likely benign (1). Last evaluated 2026-07-30.

Conditions:
Renal cell carcinoma. Identifiers: Orphanet 217071, MedGen C0007134, MeSH D002292, MONDO:0005086, HP:0005584.
Hereditary cancer-predisposing syndrome. Also called: Tumor predisposition; Hereditary neoplastic syndrome; Neoplastic Syndromes, Hereditary; Hereditary Cancer Syndrome. Identifiers: Orphanet 140162, MedGen C0027672, MeSH D009386, MONDO:0015356.

Submissions (2):

Ambry Genetics
Classification: Likely benign for Hereditary cancer-predisposing syndrome. Last evaluated: 2026-07-30. Review status: criteria provided, single submitter. Criteria: Ambry Variant Classification Scheme 2023. Collection method: clinical testing. Allele origin: germline.

Labcorp Genetics (formerly Invitae), Labcorp
Classification: Uncertain significance for Renal cell carcinoma. Last evaluated: 2022-08-21. Review status: criteria provided, single submitter. Criteria: Invitae Variant Classification Sherloc (09022015). Collection method: clinical testing. Allele origin: germline.
Comment: Algorithms developed to predict the effect of missense changes on protein structure and function (SIFT, PolyPhen-2, Align-GVGD) all suggest that this variant is likely to be tolerated. This variant has not been reported in the literature in individuals affected with MET-related conditions. This variant is not present in population databases (gnomAD no frequency). This sequence change replaces serine, which is neutral and polar, with proline, which is neutral and non-polar, at codon 470 of the MET protein (p.Ser470Pro). In summary, the available evidence is currently insufficient to determine the role of this variant in disease. Therefore, it has been classified as a Variant of Uncertain Significance.

NM_000245.4(MET):c.1408T>C (p.Ser470Pro)

Gene: MET (MET proto-oncogene, receptor tyrosine kinase; plus strand). Cytogenetic location: 7q31.2.
Variant type: single nucleotide variant.
Coding change: c.1408T>C on transcript NM_000245.4 (MANE Select); coding-DNA position 1408, T replaced by C.
Protein change: p.Ser470Pro; replaces serine 470 with proline.
Molecular consequence: missense variant.
Genome position (GRCh38, 1-based): chr7:116,739,965, T>C. VCF-style: chr7-116739965-T-C. GRCh37 (hg19) VCF-style: chr7-116380019-T-C.
Other names: c.1408T>C, p.Ser470Pro (NM_001127500.3, NM_001324401.3); c.118T>C, p.Ser40Pro (NM_001324402.2); short protein forms S40P, S470P.
Identifiers: ClinVar variation 1717303 (VCV001717303.9), dbSNP rs1484724510, ClinGen allele CA368974034.
Genomic context (GRCh38, chr7:116,739,965, plus strand): 5'-CTGAGCTTGTTGGAATAAGGATGTTATAACTTTTTTGCTGTTTAGGTTGTGGTTTCTCGA[T>C]CAGGACCATCAACCCCTCATGTGAATTTTCTCCTGGACTCCCATCCAGTGTCTCCAGAAG-3'
Protein context (NP_000236.2, residues 460-480): GRFMQVVVSR[Ser470Pro]GPSTPHVNFL